The following is an entry in ClinVar:

ClinVar aggregate classification (germline): Uncertain significance. Review status: criteria provided, multiple submitters, no conflicts (2 of 4 stars). 2 submissions from 2 submitters: Uncertain significance (2). Last evaluated 2021-09-04.

Conditions:
TH-deficient dopa-responsive dystonia. Also called: DYT-TH; Tyrosine Hydroxylase-Deficient Dopa-Responsive Dystonia; Segawa syndrome, autosomal recessive. Identifiers: Orphanet 101150, MedGen C2673535, MONDO:0011551, OMIM 605407.

Submissions (2):

Labcorp Genetics (formerly Invitae), Labcorp
Classification: Uncertain significance for TH-deficient dopa-responsive dystonia. Last evaluated: 2021-09-04. Review status: criteria provided, single submitter. Criteria: Invitae Variant Classification Sherloc (09022015). Collection method: clinical testing. Allele origin: germline.
Comment: In summary, the available evidence is currently insufficient to determine the role of this variant in disease. Therefore, it has been classified as a Variant of Uncertain Significance. Advanced modeling of protein sequence and biophysical properties (such as structural, functional, and spatial information, amino acid conservation, physicochemical variation, residue mobility, and thermodynamic stability) performed at Invitae indicates that this missense variant is not expected to disrupt TH protein function. This variant has not been reported in the literature in individuals with TH-related conditions. This variant is present in population databases (rs759968927, ExAC 0.03%). This sequence change replaces alanine with proline at codon 275 of the TH protein (p.Ala275Pro). The alanine residue is moderately conserved and there is a small physicochemical difference between alanine and proline.

Baylor Genetics
Classification: Uncertain significance for TH-deficient dopa-responsive dystonia. Last evaluated: 2020-09-19. Review status: criteria provided, single submitter. Criteria: ACMG Guidelines, 2015. Collection method: clinical testing. Allele origin: maternal. Affected: yes.
Comment: This variant was determined to be of uncertain significance according to ACMG Guidelines, 2015 [PMID:25741868].

NM_000360.4(TH):c.730G>C (p.Ala244Pro)

Gene: TH (tyrosine hydroxylase; minus strand). Cytogenetic location: 11p15.5.
Variant type: single nucleotide variant.
Coding change: c.730G>C on transcript NM_000360.4 (MANE Select); coding-DNA position 730, G replaced by C.
Protein change: p.Ala244Pro; replaces alanine 244 with proline.
Molecular consequence: missense variant.
Genome position (GRCh38, 1-based): chr11:2,166,998, C>G on the plus strand (G>C on the coding strand, the complement: TH is on the minus strand). VCF-style: chr11-2166998-C-G. GRCh37 (hg19) VCF-style: chr11-2188228-C-G.
Other names: c.823G>C, p.Ala275Pro (NM_199292.3); c.811G>C, p.Ala271Pro (NM_199293.3); short protein forms A244P, A271P, A275P.
Identifiers: ClinVar variation 1030473 (VCV001030473.6), dbSNP rs759968927, ClinGen allele CA5818506.